The following is an entry in ClinVar:

NM_201384.3(PLEC):c.1010A>G (p.Asn337Ser)

Gene: PLEC (plectin; minus strand). Cytogenetic location: 8q24.3.
Variant type: single nucleotide variant.
Coding change: c.1010A>G on transcript NM_201384.3 (MANE Select); coding-DNA position 1010, A replaced by G.
Protein change: p.Asn337Ser; replaces asparagine 337 with serine.
Molecular consequence: missense variant.
Genome position (GRCh38, 1-based): chr8:143,934,666, T>C on the plus strand (A>G on the coding strand, the complement: PLEC is on the minus strand). VCF-style: chr8-143934666-T-C. GRCh37 (hg19) VCF-style: chr8-145008834-T-C.
Other names: c.1091A>G, p.Asn364Ser (NM_000445.5); c.968A>G, p.Asn323Ser (NM_201378.4); c.944A>G, p.Asn315Ser (NM_201379.3); c.1421A>G, p.Asn474Ser (NM_201380.4); c.914A>G, p.Asn305Ser (NM_201381.3); c.1010A>G, p.Asn337Ser (NM_201382.4); c.1022A>G, p.Asn341Ser (NM_201383.3); short protein forms N323S, N364S, N474S, N305S, N341S, N315S, N337S.
Identifiers: ClinVar variation 1511178 (VCV001511178.8), dbSNP rs2132050698, ClinGen allele CA372585395.
Genomic context (GRCh38, chr8:143,934,666, plus strand): 5'-CCACCCACCCCTCCAGCGGTCCCACTCACCTCCAGGGATTGGTAGATGCCCTTGGACCTG[T>C]TCTTGTCGGCCTCCTTGGCTGGTAGCTCCATCTCCTTAAACTTCAGGAACTGAGACCACA-3'
Protein context (NP_958786.1, residues 327-347): MELPAKEADK[Asn337Ser]RSKGIYQSLE

ClinVar aggregate classification (germline): Uncertain significance (1 of 4 stars; one submission).

Conditions:
Autosomal recessive limb-girdle muscular dystrophy type 2Q (LGMDR17). Also called: MUSCULAR DYSTROPHY, LIMB-GIRDLE, AUTOSOMAL RECESSIVE 17. Identifiers: Orphanet 254361, MedGen C3150989, MONDO:0013390, OMIM 613723.
Epidermolysis bullosa simplex, Ogna type (EBS5A). Also called: Pidermolysis bullosa simplex 5A, Ogna type; EPIDERMOLYSIS BULLOSA SIMPLEX 5A, OGNA TYPE. Identifiers: Orphanet 79401, MedGen C0432317, MONDO:0007555, OMIM 131950.
Epidermolysis bullosa simplex 5B, with muscular dystrophy (EBS5B). Also called: EPIDERMOLYSIS BULLOSA SIMPLEX AND LIMB-GIRDLE MUSCULAR DYSTROPHY; Epidermolysis bullosa simplex with muscular dystrophy. Identifiers: Orphanet 257, MedGen C2931072, MONDO:0009181, OMIM 226670.
Epidermolysis bullosa simplex 5C, with pyloric atresia (EBS5C). Also called: Epidermolysis bullosa simplex with pyloric atresia; PLEC-Related Epidermolysis Bullosa with Pyloric Atresia; PLEC1-Related Epidermolysis Bullosa with Pyloric Atresia. Identifiers: Orphanet 158684, MedGen C2677349, MONDO:0012807, OMIM 612138.
Epidermolysis bullosa simplex with nail dystrophy (EBS5D). Identifiers: MedGen C4225309, MONDO:0014661, OMIM 616487.

Submission:

Labcorp Genetics (formerly Invitae), Labcorp
Classification: Uncertain significance for Autosomal recessive limb-girdle muscular dystrophy type 2Q; Epidermolysis bullosa simplex, Ogna type; Epidermolysis bullosa simplex with nail dystrophy; Epidermolysis bullosa simplex 5C, with pyloric atresia; Epidermolysis bullosa simplex 5B, with muscular dystrophy. Last evaluated: 2022-07-05. Review status: criteria provided, single submitter. Criteria: Invitae Variant Classification Sherloc (09022015). Collection method: clinical testing. Allele origin: germline.
Comment: This sequence change replaces asparagine, which is neutral and polar, with serine, which is neutral and polar, at codon 364 of the PLEC protein (p.Asn364Ser). This variant has not been reported in the literature in individuals affected with PLEC-related conditions. This variant is not present in population databases (gnomAD no frequency). ClinVar contains an entry for this variant (Variation ID: 1511178). Algorithms developed to predict the effect of missense changes on protein structure and function are either unavailable or do not agree on the potential impact of this missense change (SIFT: "Deleterious"; PolyPhen-2: "Not Available"; Align-GVGD: "Class C0"). In summary, the available evidence is currently insufficient to determine the role of this variant in disease. Therefore, it has been classified as a Variant of Uncertain Significance.